The following is an entry in ClinVar:

NM_178012.5(TUBB2B):c.4C>A (p.Arg2Ser)

Gene: TUBB2B (tubulin beta 2B class IIb; minus strand). Cytogenetic location: 6p25.2.
Variant type: single nucleotide variant.
Coding change: c.4C>A on transcript NM_178012.5 (MANE Select); coding-DNA position 4, C replaced by A.
Protein change: p.Arg2Ser; replaces arginine 2 with serine.
Molecular consequence: missense variant.
Genome position (GRCh38, 1-based): chr6:3,227,540, G>T on the plus strand (C>A on the coding strand, the complement: TUBB2B is on the minus strand). VCF-style: chr6-3227540-G-T. GRCh37 (hg19) VCF-style: chr6-3227774-G-T.
Other names: short protein forms R2S.
Identifiers: ClinVar variation 800842 (VCV000800842.3), dbSNP rs1581526962, ClinGen allele CA362590453.
Genomic context (GRCh38, chr6:3,227,540, plus strand): 5'-CGCCCACCTTGGCGCCGATCTGGTTGCCGCACTGGCCCGCCTGGATGTGCACGATCTCAC[G>T]CATGGTGCCTCGTCAGCGTCCTCCTGGTCCGGCGGCGTCTGGGTCTGTCCGTCCTCCCCT-3'
Protein context (NP_821080.1, residues 1-12): M[Arg2Ser]EIVHIQAGQC

ClinVar aggregate classification (germline): Pathogenic. Review status: criteria provided, multiple submitters, no conflicts (2 of 4 stars). 3 submissions from 3 submitters: Pathogenic (2). 1 of the submissions does not count toward it. Last evaluated 2025-12-09.

Conditions:
Complex cortical dysplasia with other brain malformations 7. Identifiers: Orphanet 300573, MedGen C3552236, MONDO:0012399, OMIM 610031.
Inborn genetic diseases. Identifiers: MedGen C0950123, MeSH D030342.

Submissions (3):

Ambry Genetics
Classification: Pathogenic for Inborn genetic diseases. Last evaluated: 2025-12-09. Review status: criteria provided, single submitter. Criteria: Ambry Variant Classification Scheme 2023. Collection method: clinical testing. Allele origin: germline.
Comment: The c.4C>A (p.R2S) alteration is located in exon 1 (coding exon 1) of the TUBB2B gene. This alteration results from a C to A substitution at nucleotide position 4, causing the arginine (R) at amino acid position 2 to be replaced by a serine (S). This variant was not reported in population-based cohorts in the Genome Aggregation Database (gnomAD). This variant was determined to be de novo in at least one individual with features consistent with TUBB2B-related complex cortical dysplasia (External communication). This amino acid position is highly conserved in available vertebrate species. This missense alteration is located in a region that has a low rate of benign missense variation (Lek, 2016; Firth, 2009). Based on internal structural analysis, this variant is anticipated to disrupt a region of known function (Bachurski, 1994; Hersheson, 2013; Lin, 2020). The in silico prediction for this alteration is inconclusive. Based on the available evidence, this alteration is classified as pathogenic.

GeneDx
Classification: Pathogenic. Last evaluated: 2023-06-29. Review status: criteria provided, single submitter. Criteria: GeneDx Variant Classification Process June 2021. Collection method: clinical testing. Allele origin: germline. Affected: yes.
Comment: Not observed in large population cohorts (gnomAD); In silico analysis supports that this missense variant does not alter protein structure/function; Missense variants in this gene are often considered pathogenic (HGMD); Has not been previously published as pathogenic or benign to our knowledge; This variant is associated with the following publications: (PMID: 24860126)

Biochemical Molecular Genetic Laboratory, King Abdulaziz Medical City
Classification: Uncertain significance for Complex cortical dysplasia with other brain malformations 7. Last evaluated: 2019-08-25. Review status: no assertion criteria provided. Collection method: clinical testing. Allele origin: germline. Affected: yes. Not counted in ClinVar's aggregate classification.

Literature cited by the submitters: PubMed 8196646 (cited by Ambry Genetics); PubMed 23424103 (cited by Ambry Genetics); PubMed 31727855 (cited by Ambry Genetics).